The following is an entry in ClinVar:

NM_152424.4(AMER1):c.3229C>T (p.Pro1077Ser)

Gene: AMER1 (APC membrane recruitment protein 1; minus strand). Cytogenetic location: Xq11.2.
Variant type: single nucleotide variant.
Coding change: c.3229C>T on transcript NM_152424.4 (MANE Select); coding-DNA position 3229, C replaced by T.
Protein change: p.Pro1077Ser; replaces proline 1077 with serine.
Molecular consequence: missense variant.
Genome position (GRCh38, 1-based): chrX:64,190,058, G>A on the plus strand (C>T on the coding strand, the complement: AMER1 is on the minus strand). VCF-style: chrX-64190058-G-A. GRCh37 (hg19) VCF-style: chrX-63409938-G-A.
Other names: short protein forms P1077S.
Identifiers: ClinVar variation 4688466 (VCV004688466.1).
Genomic context (GRCh38, chrX:64,190,058, plus strand): 5'-GCTGGGGGTGCTCAGGCCGGACCCTGGGCAGCTGAGGAATGCCATGGGTGATGCCCACAG[G>A]CTTGGCCTGTGGTAGAGGGCTGGGGCTGAAGCCTCCAGAACTGGAAGAGCAACTGGGCTC-3'
Protein context (NP_689637.3, residues 1067-1087): FSPSPLPQAK[Pro1077Ser]VGITHGIPQL

ClinVar aggregate classification (germline): Uncertain significance (1 of 4 stars; one submission).

Submission:

Women's Health and Genetics/Laboratory Corporation of America, LabCorp
Classification: Uncertain significance. Last evaluated: 2025-12-09. Review status: criteria provided, single submitter. Criteria: LabCorp Variant Classification Summary - May 2015. Collection method: clinical testing. Allele origin: germline.
Comment: Variant summary: AMER1 c.3229C>T (p.Pro1077Ser) results in a non-conservative amino acid change in the encoded protein sequence. Algorithms developed to predict the effect of missense changes on protein structure and function are either unavailable or do not agree on the potential impact of this missense change. The frequency data for this variant in gnomAD is considered unreliable, as metrics indicate poor data quality at this position. To our knowledge, no occurrence of c.3229C>T in individuals affected with AMER1-related conditions and no experimental evidence demonstrating its impact on protein function have been reported. The following publications have been ascertained in the context of this evaluation (PMID: 33009979, 28002797). No submitters have cited clinical-significance assessments for this variant to ClinVar. Based on the evidence outlined above, the variant was classified as uncertain significance.

Literature cited by the submitters: PubMed 33009979; PubMed 28002797.